The following is an entry in ClinVar:

ClinVar aggregate classification (germline): Uncertain significance (1 of 4 stars; one submission).

gnomAD v4.1: 4 of 1,614,016 alleles (0.00025%); highest among the groups gnomAD compares: Admixed American, 0.0017%; no homozygotes.

Submission:

Labcorp Genetics (formerly Invitae), Labcorp
Classification: Uncertain significance. Last evaluated: 2024-11-18. Review status: criteria provided, single submitter. Criteria: Invitae Variant Classification Sherloc (09022015). Collection method: clinical testing. Allele origin: germline.
Comment: This sequence change replaces glycine, which is neutral and non-polar, with serine, which is neutral and polar, at codon 1049 of the FLNB protein (p.Gly1049Ser). This variant is present in population databases (rs762818490, gnomAD 0.006%). This variant has not been reported in the literature in individuals affected with FLNB-related conditions. Invitae Evidence Modeling of protein sequence and biophysical properties (such as structural, functional, and spatial information, amino acid conservation, physicochemical variation, residue mobility, and thermodynamic stability) indicates that this missense variant is expected to disrupt FLNB protein function with a positive predictive value of 80%. In summary, the available evidence is currently insufficient to determine the role of this variant in disease. Therefore, it has been classified as a Variant of Uncertain Significance.

NM_001457.4(FLNB):c.3145G>A (p.Gly1049Ser)

Gene: FLNB (filamin B; plus strand). Cytogenetic location: 3p14.3.
Variant type: single nucleotide variant.
Coding change: c.3145G>A on transcript NM_001457.4 (MANE Select); coding-DNA position 3145, G replaced by A.
Protein change: p.Gly1049Ser; replaces glycine 1049 with serine.
Molecular consequence: missense variant.
Genome position (GRCh38, 1-based): chr3:58,123,111, G>A. VCF-style: chr3-58123111-G-A. GRCh37 (hg19) VCF-style: chr3-58108838-G-A.
Other names: c.3145G>A, p.Gly1049Ser (NM_001164317.2, NM_001164318.2, NM_001164319.2); short protein forms G1049S.
Identifiers: ClinVar variation 3623443 (VCV003623443.2).